The following is an entry in ClinVar:

ClinVar aggregate classification (germline): Uncertain significance (1 of 4 stars; one submission).

Allele frequency attached by ClinVar (database versions not stated): ExAC 0.00001.

Submission:

Labcorp Genetics (formerly Invitae), Labcorp
Classification: Uncertain significance. Last evaluated: 2022-07-04. Review status: criteria provided, single submitter. Criteria: Invitae Variant Classification Sherloc (09022015). Collection method: clinical testing. Allele origin: germline.
Comment: In summary, the available evidence is currently insufficient to determine the role of this variant in disease. Therefore, it has been classified as a Variant of Uncertain Significance. Advanced modeling of protein sequence and biophysical properties (such as structural, functional, and spatial information, amino acid conservation, physicochemical variation, residue mobility, and thermodynamic stability) performed at Invitae indicates that this missense variant is not expected to disrupt COL27A1 protein function. This variant has not been reported in the literature in individuals affected with COL27A1-related conditions. This variant is present in population databases (rs779405191, gnomAD 0.003%). This sequence change replaces proline, which is neutral and non-polar, with serine, which is neutral and polar, at codon 567 of the COL27A1 protein (p.Pro567Ser).

NM_032888.4(COL27A1):c.1699C>T (p.Pro567Ser)

Gene: COL27A1 (collagen type XXVII alpha 1 chain; plus strand). Cytogenetic location: 9q32.
Variant type: single nucleotide variant.
Coding change: c.1699C>T on transcript NM_032888.4 (MANE Select); coding-DNA position 1699, C replaced by T.
Protein change: p.Pro567Ser; replaces proline 567 with serine.
Molecular consequence: missense variant.
Genome position (GRCh38, 1-based): chr9:114,169,254, C>T. VCF-style: chr9-114169254-C-T. GRCh37 (hg19) VCF-style: chr9-116931534-C-T.
Other names: short protein forms P567S.
Identifiers: ClinVar variation 2014149 (VCV002014149.4), dbSNP rs779405191, ClinGen allele CA5201451.
Genomic context (GRCh38, chr9:114,169,254, plus strand): 5'-CCCAAGAGCAGCCCCCGGAAGCCTGTCCCCCTCAGACCTGGGAAGGCAGCCAGGGATGTC[C>T]CCTTGAGCGATCTGACAACCAGGCCTAGCCCCAGACAGCCCCAGCCCAGTCAGCAGACCA-3'
Protein context (NP_116277.2, residues 557-577): LRPGKAARDV[Pro567Ser]LSDLTTRPSP